The following is an entry in ClinVar:

ClinVar aggregate classification (germline): Benign/Likely benign. Review status: criteria provided, multiple submitters, no conflicts (2 of 4 stars). 19 submissions from 17 submitters: Benign (14); Likely benign (3). 2 of the submissions do not count toward it. Last evaluated 2026-09-01.

Conditions:
Cardiovascular phenotype. Identifiers: MedGen CN230736.
Familial thoracic aortic aneurysm and aortic dissection (TAAD). Also called: Thoracic aortic aneurysms and dissections. Identifiers: Orphanet 91387, MedGen C4707243, MONDO:0019625.
Lissencephaly 4 (LIS4). Also called: Lissencephaly 4 (with microcephaly). Identifiers: Orphanet 1083, MedGen C3151461, MONDO:0013527, OMIM 614019.
Aortic aneurysm, familial thoracic 4 (AAT4). Also called: AORTIC ANEURYSM/AORTIC DISSECTION AND PATENT DUCTUS ARTERIOSUS. Identifiers: MedGen C1851504, MONDO:0007568, OMIM 132900.

Allele frequency attached by ClinVar (database versions not stated): 1000 Genomes Project 30x 0.00437; 1000 Genomes Project 0.00439; gnomAD 0.00746; TOPMed 0.00789; ESP Exome Variant Server 0.00916.
gnomAD v4.1: 17,690 of 1,614,090 alleles (1.1%); highest among the groups gnomAD compares: Non-Finnish European, 1.3%; 131 homozygotes.

Submissions (22):

CeGaT Center for Human Genetics Tuebingen
Classification: Benign. Last evaluated: 2026-09-01. Review status: criteria provided, single submitter. Criteria: CeGaT Center For Human Genetics Tuebingen Variant Classification Criteria Version 2. Collection method: clinical testing. Allele origin: germline. Affected: yes. Observed: 108 variant alleles.
Comment: MYH11: BP4, BP7, BS1, BS2; NDE1: BS1, BS2

Labcorp Genetics (formerly Invitae), Labcorp
Classification: Benign for Aortic aneurysm, familial thoracic 4. Last evaluated: 2026-02-04. Review status: criteria provided, single submitter. Criteria: Invitae Variant Classification Sherloc (09022015). Collection method: clinical testing. Allele origin: germline.

ARUP Laboratories, Molecular Genetics and Genomics, ARUP Laboratories
Classification: Benign. Last evaluated: 2025-07-07. Review status: criteria provided, single submitter. Criteria: ARUP Molecular Germline Variant Investigation Process 2024. Collection method: clinical testing. Allele origin: germline.

Molecular Diagnostic Laboratory for Inherited Cardiovascular Disease, Montreal Heart Institute
Classification: Benign. Last evaluated: 2025-04-09. Review status: criteria provided, single submitter. Criteria: ACMG Guidelines, 2015. Collection method: clinical testing. Allele origin: germline. Affected: no.

Blueprint Genetics
Classification: Likely benign. Last evaluated: 2024-11-26. Review status: criteria provided, single submitter. Criteria: ACMG Guidelines, 2015. Collection method: clinical testing. Allele origin: germline.

All of Us Research Program, National Institutes of Health
Classification: Benign for Familial thoracic aortic aneurysm and aortic dissection. Last evaluated: 2024-02-05. Review status: criteria provided, single submitter. Criteria: ACMG Guidelines, 2015. Collection method: clinical testing. Allele origin: germline. Inheritance: Autosomal dominant inheritance. Observed: 2,268 variant alleles, 2,250 heterozygotes, 18 homozygotes.
Comment: This study involves interpretation of variants in research participants for the purpose of population health screening. Participant phenotype was not available at the time of variant classification. Additional details can be found in publication PMID: 35346344, PMCID: PMC8962531

Mayo Clinic Laboratories, Mayo Clinic
Classification: Benign. Last evaluated: 2023-01-31. Review status: criteria provided, single submitter. Criteria: ACMG Guidelines, 2015. Collection method: clinical testing. Allele origin: germline. Observed: 26 variant alleles.
Comment: BS1, BS2, BP4, BP7

Color Diagnostics, LLC DBA Color Health
Classification: Benign for Familial thoracic aortic aneurysm and aortic dissection. Last evaluated: 2018-03-07. Review status: criteria provided, single submitter. Criteria: ACMG Guidelines, 2015. Collection method: clinical testing. Allele origin: germline.

Illumina Laboratory Services, Illumina
Classification: Benign for Lissencephaly 4. Last evaluated: 2018-01-13. Review status: criteria provided, single submitter. Criteria: ICSL Variant Classification Criteria 13 December 2019. Collection method: clinical testing. Allele origin: germline.
Comment: This variant was observed in the ICSL laboratory as part of a predisposition screen in an ostensibly healthy population. It had not been previously curated by ICSL or reported in the Human Gene Mutation Database (HGMD: prior to June 1st, 2018), and was therefore a candidate for classification through an automated scoring system. Utilizing variant allele frequency, disease prevalence and penetrance estimates, and inheritance mode, an automated score was calculated to assess if this variant is too frequent to cause the disease. Based on the score and internal cut-off values, a variant classified as benign is not then subjected to further curation. The score for this variant resulted in a classification of benign for this disease.

Illumina Laboratory Services, Illumina
Classification: Likely benign for Aortic aneurysm, familial thoracic 4. Last evaluated: 2018-01-12. Review status: criteria provided, single submitter. Criteria: ICSL Variant Classification Criteria 13 December 2019. Collection method: clinical testing. Allele origin: germline.
Comment: This variant was observed in the ICSL laboratory as part of a predisposition screen in an ostensibly healthy population. It had not been previously curated by ICSL or reported in the Human Gene Mutation Database (HGMD: prior to June 1st, 2018), and was therefore a candidate for classification through an automated scoring system. Utilizing variant allele frequency, disease prevalence and penetrance estimates, and inheritance mode, an automated score was calculated to assess if this variant is too frequent to cause the disease. Based on the score and internal cut-off values, a variant classified as likely benign is not then subjected to further curation. The score for this variant resulted in a classification of likely benign for this disease.

CHEO Genetics Diagnostic Laboratory, Children's Hospital of Eastern Ontario
Classification: Benign for Familial thoracic aortic aneurysm and aortic dissection. Last evaluated: 2016-03-16. Review status: criteria provided, single submitter. Criteria: ACMG Guidelines, 2015. Collection method: clinical testing. Allele origin: germline. Study: Canadian Open Genetics Repository.

Ambry Genetics
Classification: Benign for Familial thoracic aortic aneurysm and aortic dissection. Last evaluated: 2015-06-19. Review status: criteria provided, single submitter. Criteria: Ambry Autosomal Dominant and X-Linked criteria (10/2015). Collection method: clinical testing. Allele origin: germline. Observed: 1 variant allele.
Comment: General population or subpopulation frequency is too high to be a pathogenic mutation based on disease/syndrome prevalence and penetrance

Ambry Genetics
Classification: Benign for Cardiovascular phenotype. Last evaluated: 2014-11-25. Review status: criteria provided, single submitter. Criteria: Ambry Autosomal Dominant and X-Linked criteria (10/2015). Collection method: clinical testing. Allele origin: germline. Observed: 1 variant allele.

Genome Diagnostics Laboratory, University Medical Center Utrecht
Classification: Benign for Aortic aneurysm, familial thoracic 4. Last evaluated: 2014-10-10. Review status: criteria provided, single submitter. Criteria: ACGS Guidelines, 2013. Collection method: clinical testing. Allele origin: germline. Affected: yes. Study: VKGL Data-share Consensus.

GeneDx
Classification: Benign. Last evaluated: 2013-07-23. Review status: criteria provided, single submitter. Criteria: GeneDx Variant Classification (06012015). Collection method: clinical testing. Allele origin: germline. Affected: yes.
Comment: This variant is considered likely benign or benign based on one or more of the following criteria: it is a conservative change, it occurs at a poorly conserved position in the protein, it is predicted to be benign by multiple in silico algorithms, and/or has population frequency not consistent with disease.

Breakthrough Genomics
Classification: Likely benign. Review status: criteria provided, single submitter. Criteria: ACMG Guidelines, 2015. Collection method: not provided. Allele origin: germline. Inheritance: Autosomal recessive inheritance. Affected: yes.

PreventionGenetics, part of Exact Sciences
Classification: Benign. Review status: criteria provided, single submitter. Criteria: ACMG Guidelines, 2015. Collection method: clinical testing. Allele origin: germline.

Genome Diagnostics Laboratory, Amsterdam University Medical Center
Classification: Benign for Aortic aneurysm, familial thoracic 4. Last evaluated: 2014-11-19. Review status: no assertion criteria provided. Criteria: ACGS Guidelines, 2013. Collection method: clinical testing. Allele origin: germline. Affected: yes. Study: VKGL Data-share Consensus. Not counted in ClinVar's aggregate classification.

Clinical Genetics DNA and cytogenetics Diagnostics Lab, Erasmus MC, Erasmus Medical Center
Classification: Benign. Review status: no assertion criteria provided. Collection method: clinical testing. Allele origin: germline. Affected: yes. Study: VKGL Data-share Consensus. Not counted in ClinVar's aggregate classification.

Dr. Peter K. Rogan Lab, Western University
No classification provided (evidence only). Condition: Thyroid cancer, nonmedullary, 1. Review status: no classification provided. Collection method: in vitro. Allele origin: not applicable. Functional consequence: retained intron. Not counted in ClinVar's aggregate classification.

Dr. Peter K. Rogan Lab, Western University
No classification provided (evidence only). Condition: Thymoma. Review status: no classification provided. Collection method: in vitro. Allele origin: not applicable. Functional consequence: retained intron. Not counted in ClinVar's aggregate classification.

Dr. Peter K. Rogan Lab, Western University
No classification provided (evidence only). Condition: Ovarian serous cystadenocarcinoma. Review status: no classification provided. Collection method: in vitro. Allele origin: not applicable. Functional consequence: retained intron. Not counted in ClinVar's aggregate classification.

NM_002474.3(MYH11):c.4158C>T (p.Thr1386=)

Genes: MYH11 (myosin heavy chain 11; minus strand), NDE1 (nudE neurodevelopment protein 1; plus strand). Cytogenetic location: 16p13.11.
Variant type: single nucleotide variant.
Coding change: c.4158C>T on transcript NM_002474.3 (MANE Select); coding-DNA position 4158, C replaced by T.
Protein change: p.Thr1386=; no amino-acid change (threonine 1386 retained).
Molecular consequence: synonymous variant. On other transcripts: 3 prime UTR variant (2).
Genome position (GRCh38, 1-based): chr16:15,724,368, G>A on the plus strand (C>T on the coding strand, the complement: MYH11 is on the minus strand). VCF-style: chr16-15724368-G-A. GRCh37 (hg19) VCF-style: chr16-15818225-G-A.
Other names: p.T1386T:ACC>ACT; p.Thr1393=; c.4179C>T, p.Thr1393= (NM_001040113.2, NM_001040114.2); c.4158C>T, p.Thr1386= (NM_022844.3); c.*117G>A (NM_001143979.2, NM_017668.3).
Identifiers: ClinVar variation 138341 (VCV000138341.80), dbSNP rs112377790, ClinGen allele CA292301.
Genomic context (GRCh38, chr16:15,724,368, plus strand): 5'-CTGGGTGAGGTTCTCGATCTCCTTCTGGAACCTCTTCTTCCCCTCTTCCAGAGCTTCCAC[G>A]GTGCTGGCAAAGTCCTGCAGCTTCTTCTTCGAGTCGGAGAGCTACAAGGACAGCGTCCAG-3'
Protein context (NP_002465.1, residues 1376-1396): SKKKLQDFAS[Thr1386=]VEALEEGKKR